The following is an entry in ClinVar:

ClinVar aggregate classification (germline): Pathogenic (1 of 4 stars; one submission).

Submission:

Quest Diagnostics Nichols Institute San Juan Capistrano
Classification: Pathogenic. Last evaluated: 2025-01-21. Review status: criteria provided, single submitter. Criteria: ACMG/ClinGen CNV Guidelines, 2019. Collection method: clinical testing. Allele origin: unknown.
Comment: This 13q32.1q34 deletion is consistent with distal 13q deletion syndrome (Huang 2012, Mimaki 2015, Reinstein 2016, Walczak-Sztulpa 2008). In addition, haploinsufficiency of ZIC2 is associated with autosomal dominant holoprosencephaly-5 (OMIM 609637; Ramocki 2011, Solomon 2010, Weiss 2018). Thus, this copy number variant (CNV) is classified as pathogenic. References: Huang et al., Gene. 2012 May 1;498(2):308-10. PMID: 22366306 Mimaki et al., Brain Dev. 2015 Aug;37(7):714-8. PMID: 25454392 Ramocki et al., Am J Med Genet A. 2011 Jul;155A(7):1574-80. PMID: 21638761 Reinstein et al., Mol Genet Metab. 2016 May;118(1):60-3. PMID: 27067448 Solomon et al., J Med Genet. 2010 Aug;47(8):513-24. PMID: 19955556 Walczak-Sztulpa et al., Am J Med Genet A. 2008 Feb 1;146A(3):337-42. PMID: 18203171 Weiss et al., Genet Med. 2018 Jan;20(1):14-23. PMID: 28640243

GRCh37/hg19 13q32.1-34(chr13:95736898-113752654)x1

Genes: ABCC4 (ATP binding cassette subfamily C member 4 (PEL blood group); minus strand), ABHD13 (abhydrolase domain containing 13; plus strand), ANKRD10 (ankyrin repeat domain 10; minus strand), ANKRD10-IT1 (ANKRD10 intronic transcript 1), ARGLU1 (arginine and glutamate rich 1; minus strand) and 59 more. Cytogenetic location: 13q32.1-34.
Variant type: copy number loss.
Change: copy number 1 (one copy instead of two) of chr13:95,736,898-113,752,654 (18.02 Mb, GRCh37 coordinates, 1-based), cytogenetic band 13q32.1-34.
Identifiers: ClinVar variation 4682825 (VCV004682825.1).